The following is an entry in ClinVar:

NM_000053.4(ATP7B):c.2020C>A (p.Pro674Thr)

Gene: ATP7B (ATPase copper transporting beta; minus strand). Cytogenetic location: 13q14.3.
Variant type: single nucleotide variant.
Coding change: c.2020C>A on transcript NM_000053.4 (MANE Select); coding-DNA position 2020, C replaced by A.
Protein change: p.Pro674Thr; replaces proline 674 with threonine.
Molecular consequence: missense variant. On other transcripts: intron variant (2).
Genome position (GRCh38, 1-based): chr13:51,960,249, G>T on the plus strand (C>A on the coding strand, the complement: ATP7B is on the minus strand). VCF-style: chr13-51960249-G-T. GRCh37 (hg19) VCF-style: chr13-52534385-G-T.
Other names: c.1687C>A, p.Pro563Thr (NM_001243182.2); c.2020C>A, p.Pro674Thr (NM_001330578.2); c.1870-2642C>A (NM_001005918.3); c.1870-1705C>A (NM_001330579.2); short protein forms P563T, P674T.
Identifiers: ClinVar variation 1513814 (VCV001513814.8), dbSNP rs1214560420, ClinGen allele CA388025519.

ClinVar aggregate classification (germline): Uncertain significance. Review status: criteria provided, multiple submitters, no conflicts (2 of 4 stars). 4 submissions from 4 submitters: Uncertain significance (4). Last evaluated 2024-04-22.

Conditions:
Wilson disease (WND). Also called: Wilson's disease. Identifiers: Orphanet 905, MedGen C0019202, MONDO:0010200, OMIM 277900. Disease mechanism: loss of function.

Allele frequency attached by ClinVar (database versions not stated): gnomAD 0.00001; gnomAD exomes 0.00002; TOPMed 0.00002.
gnomAD v4.1: 51 of 1,613,812 alleles (0.0032%); highest among the groups gnomAD compares: Non-Finnish European, 0.0042%; no homozygotes.

Submissions (4):

Fulgent Genetics
Classification: Uncertain significance for Wilson disease. Last evaluated: 2024-04-22. Review status: criteria provided, single submitter. Criteria: ACMG Guidelines, 2015. Collection method: clinical testing. Allele origin: germline.

All of Us Research Program, National Institutes of Health
Classification: Uncertain significance for Wilson disease. Last evaluated: 2023-11-20. Review status: criteria provided, single submitter. Criteria: ACMG Guidelines, 2015. Collection method: clinical testing. Allele origin: germline. Inheritance: Autosomal recessive inheritance. Observed: 1 variant allele, 1 heterozygote.
Comment: This missense variant replaces proline with threonine at codon 674 of the ATP7B protein. Computational prediction suggests that this variant may not impact protein structure and function (internally defined REVEL score threshold <= 0.5, PMID: 27666373). To our knowledge, functional studies have not been reported for this variant. This variant has not been reported in individuals affected with ATP7B-related disorders in the literature. This variant has been identified in 5/249218 chromosomes in the general population by the Genome Aggregation Database (gnomAD). The available evidence is insufficient to determine the role of this variant in disease conclusively. Therefore, this variant is classified as a Variant of Uncertain Significance.

This study involves interpretation of variants in research participants for the purpose of population health screening. Participant phenotype was not available at the time of variant classification. Additional details can be found in publication PMID: 35346344, PMCID: PMC8962531

Color Diagnostics, LLC DBA Color Health
Classification: Uncertain significance for Wilson disease. Last evaluated: 2023-11-01. Review status: criteria provided, single submitter. Criteria: ACMG Guidelines, 2015. Collection method: clinical testing. Allele origin: germline.
Comment: This missense variant replaces proline with threonine at codon 674 of the ATP7B protein. Computational prediction suggests that this variant may not impact protein structure and function. To our knowledge, functional studies have not been reported for this variant. This variant has not been reported in individuals affected with ATP7B-related disorders in the literature. This variant has been identified in 5/249218 chromosomes in the general population by the Genome Aggregation Database (gnomAD). The available evidence is insufficient to determine the role of this variant in disease conclusively. Therefore, this variant is classified as a Variant of Uncertain Significance.

Labcorp Genetics (formerly Invitae), Labcorp
Classification: Uncertain significance for Wilson disease. Last evaluated: 2022-06-20. Review status: criteria provided, single submitter. Criteria: Invitae Variant Classification Sherloc (09022015). Collection method: clinical testing. Allele origin: germline.
Comment: This sequence change replaces proline, which is neutral and non-polar, with threonine, which is neutral and polar, at codon 674 of the ATP7B protein (p.Pro674Thr). This variant is present in population databases (no rsID available, gnomAD 0.004%). This variant has not been reported in the literature in individuals affected with ATP7B-related conditions. Advanced modeling of protein sequence and biophysical properties (such as structural, functional, and spatial information, amino acid conservation, physicochemical variation, residue mobility, and thermodynamic stability) performed at Invitae indicates that this missense variant is not expected to disrupt ATP7B protein function. In summary, the available evidence is currently insufficient to determine the role of this variant in disease. Therefore, it has been classified as a Variant of Uncertain Significance.